The following is an entry in ClinVar:

ClinVar aggregate classification (germline): Uncertain significance. Review status: criteria provided, multiple submitters, no conflicts (2 of 4 stars). 3 submissions from 3 submitters: Uncertain significance (3). Last evaluated 2026-05-27.

Conditions:
STX3-related disorder. Also called: STX3-related condition.
Inborn genetic diseases. Identifiers: MedGen C0950123, MeSH D030342.

Allele frequency attached by ClinVar (database versions not stated): gnomAD 0.00003 and 0.00004; ExAC 0.00012.
gnomAD v4.1: 56 of 1,613,374 alleles (0.0035%); highest among the groups gnomAD compares: Admixed American, 0.055%; no homozygotes.

Submissions (3):

PreventionGenetics, part of Exact Sciences
Classification: Uncertain significance for STX3-related condition. Last evaluated: 2026-05-27. Review status: criteria provided, single submitter. Criteria: ACMG Guidelines, 2015. Collection method: clinical testing. Allele origin: germline.
Comment: The STX3 c.752A>G variant is predicted to result in the amino acid substitution p.Lys251Arg. To our knowledge, this variant has not been reported in the literature. This variant is reported in 0.088% of alleles in individuals of Latino descent in gnomAD. At this time, the clinical significance of this variant is uncertain due to the absence of conclusive functional and genetic evidence.

Ambry Genetics
Classification: Uncertain significance for Inborn genetic diseases. Last evaluated: 2022-11-08. Review status: criteria provided, single submitter. Criteria: Ambry Variant Classification Scheme 2023. Collection method: clinical testing. Allele origin: germline.

Labcorp Genetics (formerly Invitae), Labcorp
Classification: Uncertain significance. Last evaluated: 2022-08-21. Review status: criteria provided, single submitter. Criteria: Invitae Variant Classification Sherloc (09022015). Collection method: clinical testing. Allele origin: germline.
Comment: This sequence change replaces lysine, which is basic and polar, with arginine, which is basic and polar, at codon 251 of the STX3 protein (p.Lys251Arg). This variant is present in population databases (rs778581130, gnomAD 0.08%). This variant has not been reported in the literature in individuals affected with STX3-related conditions. ClinVar contains an entry for this variant (Variation ID: 1405152). Algorithms developed to predict the effect of missense changes on protein structure and function are either unavailable or do not agree on the potential impact of this missense change (SIFT: "Tolerated"; PolyPhen-2: "Probably Damaging"; Align-GVGD: "Class C0"). In summary, the available evidence is currently insufficient to determine the role of this variant in disease. Therefore, it has been classified as a Variant of Uncertain Significance.

NM_004177.5(STX3):c.752A>G (p.Lys251Arg)

Gene: STX3 (syntaxin 3; plus strand). Cytogenetic location: 11q12.1.
Variant type: single nucleotide variant.
Coding change: c.752A>G on transcript NM_004177.5 (MANE Select); coding-DNA position 752, A replaced by G.
Protein change: p.Lys251Arg; replaces lysine 251 with arginine.
Molecular consequence: missense variant.
Genome position (GRCh38, 1-based): chr11:59,795,448, A>G. VCF-style: chr11-59795448-A-G. GRCh37 (hg19) VCF-style: chr11-59562921-A-G.
Other names: c.752A>G, p.Lys251Arg (NM_001178040.3); short protein forms K251R.
Identifiers: ClinVar variation 1405152 (VCV001405152.5), dbSNP rs778581130, ClinGen allele CA6020999.